The following is an entry in ClinVar:

ClinVar aggregate classification (germline): Benign/Likely benign. Review status: criteria provided, multiple submitters, no conflicts (2 of 4 stars). 6 submissions from 6 submitters: Benign (1); Likely benign (5). Last evaluated 2026-08-10.

Conditions:
Cardiovascular phenotype. Identifiers: MedGen CN230736.
ABCA1-related disorder. Also called: ABCA1-related condition; ABCA1-related disorders. Identifiers: MedGen CN239173.

Allele frequency attached by ClinVar (database versions not stated): gnomAD exomes 0.00008 and 0.00024; ExAC 0.00030; 1000 Genomes Project 30x 0.00031; 1000 Genomes Project 0.00040; gnomAD 0.00100 and 0.00101; TOPMed 0.00100; ESP Exome Variant Server 0.00146.
gnomAD v4.1: 265 of 1,614,164 alleles (0.016%); highest among the groups gnomAD compares: African/African-American, 0.33%; 1 homozygote.

Submissions (6):

PreventionGenetics, part of Exact Sciences
Classification: Likely benign for ABCA1-related condition. Last evaluated: 2026-08-10. Review status: criteria provided, single submitter. Criteria: ACMG Guidelines, 2015. Collection method: clinical testing. Allele origin: germline.
Comment: This variant is classified as likely benign based on ACMG/AMP sequence variant interpretation guidelines (Richards et al. 2015 PMID: 25741868, with internal and published modifications).

Labcorp Genetics (formerly Invitae), Labcorp
Classification: Benign. Last evaluated: 2025-12-02. Review status: criteria provided, single submitter. Criteria: Invitae Variant Classification Sherloc (09022015). Collection method: clinical testing. Allele origin: germline.

Blueprint Genetics
Classification: Likely benign. Last evaluated: 2024-02-08. Review status: criteria provided, single submitter. Criteria: ACMG Guidelines, 2015. Collection method: clinical testing. Allele origin: germline.

Women's Health and Genetics/Laboratory Corporation of America, LabCorp
Classification: Likely benign. Last evaluated: 2023-08-01. Review status: criteria provided, single submitter. Criteria: LabCorp Variant Classification Summary - May 2015. Collection method: clinical testing. Allele origin: germline.

Ambry Genetics
Classification: Likely benign for Cardiovascular phenotype. Last evaluated: 2022-02-17. Review status: criteria provided, single submitter. Criteria: Ambry Variant Classification Scheme 2023. Collection method: clinical testing. Allele origin: germline.

GeneDx
Classification: Likely benign. Last evaluated: 2020-07-30. Review status: criteria provided, single submitter. Criteria: GeneDx Variant Classification Process June 2021. Collection method: clinical testing. Allele origin: germline. Affected: yes.

NM_005502.4(ABCA1):c.6555T>G (p.Ser2185=)

Genes: ABCA1 (ATP binding cassette subfamily A member 1; minus strand), NIPSNAP3B (nipsnap homolog 3B; plus strand). Cytogenetic location: 9q31.1.
Variant type: single nucleotide variant.
Coding change: c.6555T>G on transcript NM_005502.4 (MANE Select); coding-DNA position 6555, T replaced by G.
Protein change: p.Ser2185=; no amino-acid change (serine 2185 retained).
Molecular consequence: synonymous variant.
Genome position (GRCh38, 1-based): chr9:104,785,486, A>C on the plus strand (T>G on the coding strand, the complement: ABCA1 is on the minus strand). VCF-style: chr9-104785486-A-C. GRCh37 (hg19) VCF-style: chr9-107547767-A-C.
Identifiers: ClinVar variation 1208444 (VCV001208444.16), dbSNP rs146817777, ClinGen allele CA5167516.